The following is an entry in ClinVar:

NM_002519.3(NPAT):c.2725C>A (p.Pro909Thr)

Gene: NPAT (nuclear protein, coactivator of histone transcription; minus strand). Cytogenetic location: 11q22.3.
Variant type: single nucleotide variant.
Coding change: c.2725C>A on transcript NM_002519.3 (MANE Select); coding-DNA position 2725, C replaced by A.
Protein change: p.Pro909Thr; replaces proline 909 with threonine.
Molecular consequence: missense variant.
Genome position (GRCh38, 1-based): chr11:108,172,259, G>T on the plus strand (C>A on the coding strand, the complement: NPAT is on the minus strand). VCF-style: chr11-108172259-G-T. GRCh37 (hg19) VCF-style: chr11-108042986-G-T.
Other names: c.2725C>A, p.Pro909Thr (NM_001321307.1); short protein forms P909T.
Identifiers: ClinVar variation 3407133 (VCV003407133.1).

ClinVar aggregate classification (germline): Uncertain significance (1 of 4 stars; one submission).

Submission:

Ambry Genetics
Classification: Uncertain significance. Last evaluated: 2024-09-05. Review status: criteria provided, single submitter. Criteria: Ambry Variant Classification Scheme 2023. Collection method: clinical testing. Allele origin: germline.
Comment: The p.P909T variant (also known as c.2725C>A), located in coding exon 13 of the NPAT gene, results from a C to A substitution at nucleotide position 2725. The proline at codon 909 is replaced by threonine, an amino acid with highly similar properties. This amino acid position is conserved. In addition, the in silico prediction for this alteration is inconclusive. Based on the available evidence, the clinical significance of this variant remains unclear.